The following is an entry in ClinVar:

NM_001429.4(EP300):c.2721T>C (p.Ala907=)

Gene: EP300 (EP300 lysine acetyltransferase; plus strand). Cytogenetic location: 22q13.2.
Variant type: single nucleotide variant.
Coding change: c.2721T>C on transcript NM_001429.4 (MANE Select); coding-DNA position 2721, T replaced by C.
Protein change: p.Ala907=; no amino-acid change (alanine 907 retained).
Molecular consequence: synonymous variant.
Genome position (GRCh38, 1-based): chr22:41,150,102, T>C. VCF-style: chr22-41150102-T-C. GRCh37 (hg19) VCF-style: chr22-41546106-T-C.
Other names: c.2643T>C, p.Ala881= (NM_001362843.2).
Identifiers: ClinVar variation 5001597 (VCV005001597.1).
Genomic context (GRCh38, chr22:41,150,102, plus strand): 5'-ACCACCAACAACACAACTTCCCCAACAAGTGCAGCCTTCACTTCCTGCTGCACCTTCTGC[T>C]GACCAGCCCCAGCAGCAGCCTCGCTCACAGCAGAGCACAGCAGCGTCTGTTCCTACCCCA-3'
Protein context (NP_001420.2, residues 897-917): VQPSLPAAPS[Ala907=]DQPQQQPRSQ

ClinVar aggregate classification (germline): Likely benign (1 of 4 stars; one submission).

Conditions:
EP300-related disorder. Also called: EP300-related condition; EP300-related disorders.

gnomAD v4.1: 3 of 1,613,526 alleles (0.00019%); highest among the groups gnomAD compares: South Asian, 0.0033%; no homozygotes.

Submission:

PreventionGenetics, part of Exact Sciences
Classification: Likely benign for EP300-related condition. Last evaluated: 2026-08-24. Review status: criteria provided, single submitter. Criteria: ACMG Guidelines, 2015. Collection method: clinical testing. Allele origin: germline.
Comment: This variant is classified as likely benign based on ACMG/AMP sequence variant interpretation guidelines (Richards et al. 2015 PMID: 25741868, with internal and published modifications).